The following is an entry in ClinVar:

ClinVar aggregate classification (germline): Uncertain significance (1 of 4 stars; one submission).

Conditions:
Fanconi anemia (FA). Also called: Fanconi's anemia. Identifiers: Orphanet 84, MedGen C0015625, MeSH D005199, MONDO:0019391.

Submission:

Labcorp Genetics (formerly Invitae), Labcorp
Classification: Uncertain significance for Fanconi anemia. Last evaluated: 2022-02-11. Review status: criteria provided, single submitter. Criteria: Invitae Variant Classification Sherloc (09022015). Collection method: clinical testing. Allele origin: germline.
Comment: In summary, the available evidence is currently insufficient to determine the role of this variant in disease. Therefore, it has been classified as a Variant of Uncertain Significance. Algorithms developed to predict the effect of sequence changes on RNA splicing suggest that this variant may create or strengthen a splice site. Algorithms developed to predict the effect of missense changes on protein structure and function output the following: SIFT: "Tolerated"; PolyPhen-2: "Possibly Damaging"; Align-GVGD: "Class C0". The valine amino acid residue is found in multiple mammalian species, which suggests that this missense change does not adversely affect protein function. This variant has not been reported in the literature in individuals affected with SLX4-related conditions. This variant is not present in population databases (gnomAD no frequency). This sequence change replaces glutamic acid, which is acidic and polar, with valine, which is neutral and non-polar, at codon 524 of the SLX4 protein (p.Glu524Val).

NM_032444.4(SLX4):c.1571A>T (p.Glu524Val)

Gene: SLX4 (SLX4 structure-specific endonuclease subunit; minus strand). Cytogenetic location: 16p13.3.
Variant type: single nucleotide variant.
Coding change: c.1571A>T on transcript NM_032444.4 (MANE Select); coding-DNA position 1571, A replaced by T.
Protein change: p.Glu524Val; replaces glutamic acid 524 with valine.
Molecular consequence: missense variant.
Genome position (GRCh38, 1-based): chr16:3,597,491, T>A on the plus strand (A>T on the coding strand, the complement: SLX4 is on the minus strand). VCF-style: chr16-3597491-T-A. GRCh37 (hg19) VCF-style: chr16-3647492-T-A.
Other names: short protein forms E524V.
Identifiers: ClinVar variation 2157500 (VCV002157500.4), dbSNP rs2548218898, ClinGen allele CA394528791.